The following is an entry in ClinVar:

ClinVar aggregate classification (germline): Uncertain significance (1 of 4 stars; one submission).

Conditions:
CCND2-related disorder. Also called: CCND2-related condition.

gnomAD v4.1: 1 of 1,613,810 alleles (0.000062%); highest among the groups gnomAD compares: South Asian, 0.0011%; no homozygotes.

Submission:

PreventionGenetics, part of Exact Sciences
Classification: Uncertain significance for CCND2-related condition. Last evaluated: 2025-12-24. Review status: criteria provided, single submitter. Criteria: ACMG Guidelines, 2015. Collection method: clinical testing. Allele origin: germline.
Comment: The CCND2 c.856G>T variant is predicted to result in the amino acid substitution p.Asp286Tyr. To our knowledge, this variant has not been reported in the literature or in a large population database (gnomAD), indicating this variant is rare. At this time, the clinical significance of this variant is uncertain due to the absence of conclusive functional and genetic evidence.

NM_001759.4(CCND2):c.856G>T (p.Asp286Tyr)

Gene: CCND2 (cyclin D2; plus strand). Cytogenetic location: 12p13.32.
Variant type: single nucleotide variant.
Coding change: c.856G>T on transcript NM_001759.4 (MANE Select); coding-DNA position 856, G replaced by T.
Protein change: p.Asp286Tyr; replaces aspartic acid 286 with tyrosine.
Molecular consequence: missense variant.
Genome position (GRCh38, 1-based): chr12:4,299,995, G>T. VCF-style: chr12-4299995-G-T. GRCh37 (hg19) VCF-style: chr12-4409161-G-T.
Other names: short protein forms D286Y.
Identifiers: ClinVar variation 4991840 (VCV004991840.1).